The following is an entry in ClinVar:

NM_144585.4(SLC22A12):c.1044C>T (p.Phe348=)

Gene: SLC22A12 (solute carrier family 22 member 12; plus strand). Cytogenetic location: 11q13.1.
Variant type: single nucleotide variant.
Coding change: c.1044C>T on transcript NM_144585.4 (MANE Select); coding-DNA position 1044, C replaced by T.
Protein change: p.Phe348=; no amino-acid change (phenylalanine 348 retained).
Molecular consequence: synonymous variant.
Genome position (GRCh38, 1-based): chr11:64,598,897, C>T. VCF-style: chr11-64598897-C-T. GRCh37 (hg19) VCF-style: chr11-64366369-C-T.
Other names: c.942C>T, p.Phe314= (NM_001276326.2); c.720C>T, p.Phe240= (NM_001276327.2); c.381C>T, p.Phe127= (NM_153378.3).
Identifiers: ClinVar variation 877261 (VCV000877261.38), dbSNP rs565889764, ClinGen allele CA6077278.
Genomic context (GRCh38, chr11:64,598,897, plus strand): 5'-GAGCATGGGCCAGCCTCCTGCCAGCCTGGGCACCCTGCTCCGCATGCCCGGACTGCGCTT[C>T]CGGACCTGTATCTCCACGTTGTGCTGGTAGATGCCCTTCCCCCAACCCCACCTCCACAGG-3'
Protein context (NP_653186.2, residues 338-358): GTLLRMPGLR[Phe348=]RTCISTLCWF

ClinVar aggregate classification (germline): Conflicting classifications of pathogenicity. Review status: criteria provided, conflicting classifications (1 of 4 stars). 5 submissions from 5 submitters: Uncertain significance (1); Likely benign (4). Last evaluated 2026-06-02.

Conditions:
Dalmatian hypouricemia (RHUC1). Identifiers: MedGen C0473219, MONDO:0020728, OMIM 220150.
SLC22A12-related disorder. Also called: SLC22A12-related condition.

Allele frequency attached by ClinVar (database versions not stated): TOPMed 0.00007; gnomAD 0.00008; ExAC 0.00012; gnomAD exomes 0.00013; 1000 Genomes Project 30x 0.00016; 1000 Genomes Project 0.00020.
gnomAD v4.1: 196 of 1,612,962 alleles (0.012%); highest among the groups gnomAD compares: Non-Finnish European, 0.016%; no homozygotes.

Submissions (5):

PreventionGenetics, part of Exact Sciences
Classification: Likely benign for SLC22A12-related condition. Last evaluated: 2026-06-02. Review status: criteria provided, single submitter. Criteria: ACMG Guidelines, 2015. Collection method: clinical testing. Allele origin: germline.
Comment: This variant is classified as likely benign based on ACMG/AMP sequence variant interpretation guidelines (Richards et al. 2015 PMID: 25741868, with internal and published modifications).

Blueprint Genetics
Classification: Likely benign. Last evaluated: 2024-09-14. Review status: criteria provided, single submitter. Criteria: ACMG Guidelines, 2015. Collection method: clinical testing. Allele origin: germline.

Labcorp Genetics (formerly Invitae), Labcorp
Classification: Likely benign. Last evaluated: 2024-06-14. Review status: criteria provided, single submitter. Criteria: Invitae Variant Classification Sherloc (09022015). Collection method: clinical testing. Allele origin: germline.

CeGaT Center for Human Genetics Tuebingen
Classification: Likely benign. Last evaluated: 2023-03-01. Review status: criteria provided, single submitter. Criteria: CeGaT Center For Human Genetics Tuebingen Variant Classification Criteria Version 2. Collection method: clinical testing. Allele origin: germline. Affected: yes. Observed: 1 variant allele.
Comment: SLC22A12: BP4, BP7

Illumina Laboratory Services, Illumina
Classification: Uncertain significance for Dalmatian hypouricemia. Last evaluated: 2018-01-12. Review status: criteria provided, single submitter. Criteria: ICSL Variant Classification Criteria 13 December 2019. Collection method: clinical testing. Allele origin: germline.